The following is an entry in ClinVar:

ClinVar aggregate classification (germline): Uncertain significance (1 of 4 stars; one submission).

Submission:

GeneDx
Classification: Uncertain significance. Last evaluated: 2024-08-05. Review status: criteria provided, single submitter. Criteria: GeneDx Variant Classification Process June 2021. Collection method: clinical testing. Allele origin: germline. Affected: yes.
Comment: Not observed at significant frequency in large population cohorts (gnomAD); In silico analysis supports that this missense variant has a deleterious effect on protein structure/function; Has not been previously published as pathogenic or benign to our knowledge

NM_000443.4(ABCB4):c.1748C>A (p.Thr583Asn)

Gene: ABCB4 (ATP binding cassette subfamily B member 4; minus strand). Cytogenetic location: 7q21.12.
Variant type: single nucleotide variant.
Coding change: c.1748C>A on transcript NM_000443.4 (MANE Select); coding-DNA position 1748, C replaced by A.
Protein change: p.Thr583Asn; replaces threonine 583 with asparagine.
Molecular consequence: missense variant.
Genome position (GRCh38, 1-based): chr7:87,431,549, G>T on the plus strand (C>A on the coding strand, the complement: ABCB4 is on the minus strand). VCF-style: chr7-87431549-G-T. GRCh37 (hg19) VCF-style: chr7-87060865-G-T.
Other names: c.1748C>A, p.Thr583Asn (NM_018849.3, NM_018850.3); short protein forms T583N.
Identifiers: ClinVar variation 3603237 (VCV003603237.1).